The following is an entry in ClinVar:

ClinVar aggregate classification (germline): Uncertain significance (1 of 4 stars; one submission).

Allele frequency attached by ClinVar (database versions not stated): TOPMed below 0.00001.
gnomAD v4.1: 25 of 1,566,046 alleles (0.0016%); highest among the groups gnomAD compares: Non-Finnish European, 0.0019%; no homozygotes.

Submission:

Labcorp Genetics (formerly Invitae), Labcorp
Classification: Uncertain significance. Last evaluated: 2022-06-16. Review status: criteria provided, single submitter. Criteria: Invitae Variant Classification Sherloc (09022015). Collection method: clinical testing. Allele origin: germline.
Comment: In summary, the available evidence is currently insufficient to determine the role of this variant in disease. Therefore, it has been classified as a Variant of Uncertain Significance. Experimental studies and prediction algorithms are not available or were not evaluated, and the functional significance of this variant is currently unknown. This variant has not been reported in the literature in individuals affected with LTBP4-related conditions. This variant is not present in population databases (gnomAD no frequency). This sequence change replaces arginine, which is basic and polar, with proline, which is neutral and non-polar, at codon 1532 of the LTBP4 protein (p.Arg1532Pro).

NM_001042545.2(LTBP4):c.4505G>C (p.Arg1502Pro)

Gene: LTBP4 (latent transforming growth factor beta binding protein 4; plus strand). Cytogenetic location: 19q13.2.
Variant type: single nucleotide variant.
Coding change: c.4505G>C on transcript NM_001042545.2 (MANE Select); coding-DNA position 4505, G replaced by C.
Protein change: p.Arg1502Pro; replaces arginine 1502 with proline.
Molecular consequence: missense variant.
Genome position (GRCh38, 1-based): chr19:40,627,843, G>C. VCF-style: chr19-40627843-G-C. GRCh37 (hg19) VCF-style: chr19-41133748-G-C.
Other names: c.4706G>C, p.Arg1569Pro (NM_001042544.1); c.4595G>C, p.Arg1532Pro (NM_003573.2); short protein forms R1502P, R1569P, R1532P.
Identifiers: ClinVar variation 2186154 (VCV002186154.3), dbSNP rs897376392, ClinGen allele CA308436993.
Genomic context (GRCh38, chr19:40,627,843, plus strand): 5'-TGCGCGTCCCCGAAGGCTTCACCTGCCGTTGCTTCGACGGCTACCGCCTGGACATGACCC[G>C]CATGGCCTGCGTTGGTGAGGGCGGGCCCGGGGCCAGCATGCGCAGGGAGAGGCGAGGCTT-3'
Protein context (NP_001036010.1, residues 1492-1512): CFDGYRLDMT[Arg1502Pro]MACVDINECD